The following is an entry in ClinVar:

NM_003803.4(MYOM1):c.3935A>G (p.Asp1312Gly)

Gene: MYOM1 (myomesin 1; minus strand). Cytogenetic location: 18p11.31.
Variant type: single nucleotide variant.
Coding change: c.3935A>G on transcript NM_003803.4 (MANE Select); coding-DNA position 3935, A replaced by G.
Protein change: p.Asp1312Gly; replaces aspartic acid 1312 with glycine.
Molecular consequence: missense variant.
Genome position (GRCh38, 1-based): chr18:3,090,732, T>C on the plus strand (A>G on the coding strand, the complement: MYOM1 is on the minus strand). VCF-style: chr18-3090732-T-C. GRCh37 (hg19) VCF-style: chr18-3090730-T-C.
Other names: c.3647A>G, p.Asp1216Gly (NM_019856.2); short protein forms D1216G, D1312G.
Identifiers: ClinVar variation 2894322 (VCV002894322.4), dbSNP rs2510510831, ClinGen allele CA401712296.

ClinVar aggregate classification (germline): Uncertain significance. Review status: criteria provided, multiple submitters, no conflicts (2 of 4 stars). 2 submissions from 2 submitters: Uncertain significance (2). Last evaluated 2025-08-28.

Conditions:
Hypertrophic cardiomyopathy. Also called: HYPERTROPHIC MYOCARDIOPATHY. Identifiers: Orphanet 217569, MedGen C0007194, MeSH D002312, MONDO:0005045, HP:0001639.

Allele frequency attached by ClinVar (database versions not stated): gnomAD exomes 0.00001.
gnomAD v4.1: 7 of 1,613,968 alleles (0.00043%); highest among the groups gnomAD compares: Non-Finnish European, 0.00059%; no homozygotes.

Submissions (2):

Ambry Genetics
Classification: Uncertain significance. Last evaluated: 2025-08-28. Review status: criteria provided, single submitter. Criteria: Ambry Variant Classification Scheme 2023. Collection method: clinical testing. Allele origin: germline.
Comment: The p.D1312G variant (also known as c.3935A>G), located in coding exon 26 of the MYOM1 gene, results from an A to G substitution at nucleotide position 3935. The aspartic acid at codon 1312 is replaced by glycine, an amino acid with similar properties. This amino acid position is conserved. In addition, the in silico prediction for this alteration is inconclusive. Based on the available evidence, the clinical significance of this variant remains unclear.

Labcorp Genetics (formerly Invitae), Labcorp
Classification: Uncertain significance for Hypertrophic cardiomyopathy. Last evaluated: 2023-05-18. Review status: criteria provided, single submitter. Criteria: Invitae Variant Classification Sherloc (09022015). Collection method: clinical testing. Allele origin: germline.
Comment: This sequence change replaces aspartic acid, which is acidic and polar, with glycine, which is neutral and non-polar, at codon 1312 of the MYOM1 protein (p.Asp1312Gly). Advanced modeling of protein sequence and biophysical properties (such as structural, functional, and spatial information, amino acid conservation, physicochemical variation, residue mobility, and thermodynamic stability) performed at Invitae indicates that this missense variant is not expected to disrupt MYOM1 protein function. This variant has not been reported in the literature in individuals affected with MYOM1-related conditions. In summary, the available evidence is currently insufficient to determine the role of this variant in disease. Therefore, it has been classified as a Variant of Uncertain Significance. This variant is not present in population databases (gnomAD no frequency).